The following is an entry in ClinVar:

ClinVar aggregate classification (germline): Uncertain significance (1 of 4 stars; one submission).

Conditions:
Glycine encephalopathy. Also called: Non-ketotic hyperglycinemia; Nonketotic hyperglycinemia. Identifiers: Orphanet 407, MedGen C0751748, MONDO:0011612, HP:0008288.

Submission:

Labcorp Genetics (formerly Invitae), Labcorp
Classification: Uncertain significance for Glycine encephalopathy. Last evaluated: 2022-10-17. Review status: criteria provided, single submitter. Criteria: Invitae Variant Classification Sherloc (09022015). Collection method: clinical testing. Allele origin: germline.
Comment: This sequence change replaces alanine, which is neutral and non-polar, with valine, which is neutral and non-polar, at codon 240 of the AMT protein (p.Ala240Val). This variant is not present in population databases (gnomAD no frequency). This variant has not been reported in the literature in individuals affected with AMT-related conditions. Advanced modeling of protein sequence and biophysical properties (such as structural, functional, and spatial information, amino acid conservation, physicochemical variation, residue mobility, and thermodynamic stability) performed at Invitae indicates that this missense variant is not expected to disrupt AMT protein function. In summary, the available evidence is currently insufficient to determine the role of this variant in disease. Therefore, it has been classified as a Variant of Uncertain Significance.

NM_000481.4(AMT):c.719C>T (p.Ala240Val)

Gene: AMT (aminomethyltransferase; minus strand). Cytogenetic location: 3p21.31.
Variant type: single nucleotide variant.
Coding change: c.719C>T on transcript NM_000481.4 (MANE Select); coding-DNA position 719, C replaced by T.
Protein change: p.Ala240Val; replaces alanine 240 with valine.
Molecular consequence: missense variant. On other transcripts: non-coding transcript variant (1).
Genome position (GRCh38, 1-based): chr3:49,419,129, G>A on the plus strand (C>T on the coding strand, the complement: AMT is on the minus strand). VCF-style: chr3-49419129-G-A. GRCh37 (hg19) VCF-style: chr3-49456562-G-A.
Other names: c.587C>T, p.Ala196Val (NM_001164710.2); c.551C>T, p.Ala184Val (NM_001164711.2); c.719C>T, p.Ala240Val (NM_001164712.2); short protein forms A184V, A196V, A240V.
Identifiers: ClinVar variation 1714030 (VCV001714030.3), dbSNP rs2049053443, ClinGen allele CA352789984.